The following is an entry in ClinVar:

NM_015662.3(IFT172):c.40-9C>T

Gene: IFT172 (intraflagellar transport 172; minus strand). Cytogenetic location: 2p23.3.
Variant type: single nucleotide variant.
Coding change: c.40-9C>T on transcript NM_015662.3 (MANE Select); 9 bases into the intron before coding-DNA position 40, C replaced by T.
Molecular consequence: intron variant.
Genome position (GRCh38, 1-based): chr2:27,485,512, G>A on the plus strand (C>T on the coding strand, the complement: IFT172 is on the minus strand). VCF-style: chr2-27485512-G-A. GRCh37 (hg19) VCF-style: chr2-27708379-G-A.
Other names: c.40-9C>T (NM_015662.2, NM_001410739.1).
Identifiers: ClinVar variation 3750830 (VCV003750830.3).

ClinVar aggregate classification (germline): Likely benign. Review status: criteria provided, multiple submitters, no conflicts (2 of 4 stars). 2 submissions from 2 submitters: Likely benign (2). Last evaluated 2025-07-01.

Conditions:
IFT172-related disorder. Also called: IFT172-related condition; IFT172-related disorders.
Short-rib thoracic dysplasia 10 with or without polydactyly (SRTD10). Identifiers: Orphanet 474, MedGen C3810175, MONDO:0014284, OMIM 615630.
Retinitis pigmentosa 71 (RP71). Identifiers: Orphanet 791, MedGen C4225342, MONDO:0014618, OMIM 616394.

gnomAD v4.1: 7 of 1,613,770 alleles (0.00043%); highest among the groups gnomAD compares: Non-Finnish European, 0.00059%; no homozygotes.

Submissions (2):

PreventionGenetics, part of Exact Sciences
Classification: Likely benign for IFT172-related condition. Last evaluated: 2025-07-01. Review status: criteria provided, single submitter. Criteria: ACMG Guidelines, 2015. Collection method: clinical testing. Allele origin: germline.
Comment: This variant is classified as likely benign based on ACMG/AMP sequence variant interpretation guidelines (Richards et al. 2015 PMID: 25741868, with internal and published modifications).

Labcorp Genetics (formerly Invitae), Labcorp
Classification: Likely benign for Retinitis pigmentosa 71; Short-rib thoracic dysplasia 10 with or without polydactyly. Last evaluated: 2024-10-09. Review status: criteria provided, single submitter. Criteria: Invitae Variant Classification Sherloc (09022015). Collection method: clinical testing. Allele origin: germline.